The following is an entry in ClinVar:

NM_032482.3(DOT1L):c.2544+5G>A

Gene: DOT1L (DOT1 like histone lysine methyltransferase; plus strand). Cytogenetic location: 19p13.3.
Variant type: single nucleotide variant.
Coding change: c.2544+5G>A on transcript NM_032482.3 (MANE Select); 5 bases into the intron after coding-DNA position 2544, G replaced by A.
Molecular consequence: intron variant.
Genome position (GRCh38, 1-based): chr19:2,217,095, G>A. VCF-style: chr19-2217095-G-A. GRCh37 (hg19) VCF-style: chr19-2217094-G-A.
Other names: NC_000019.9:g.2217094G>A; c.2544+5G>A (NM_001411141.1).
Identifiers: ClinVar variation 4437226 (VCV004437226.7).

ClinVar aggregate classification (germline): Likely benign (1 of 4 stars; one submission).

gnomAD v4.1: 1,782 of 1,589,368 alleles (0.11%); highest among the groups gnomAD compares: Admixed American, 0.19%; no homozygotes.

Submissions (2):

CeGaT Center for Human Genetics Tuebingen
Classification: Likely benign. Last evaluated: 2026-07-01. Review status: criteria provided, single submitter. Criteria: CeGaT Center For Human Genetics Tuebingen Variant Classification Criteria Version 2. Collection method: clinical testing. Allele origin: germline. Affected: yes. Observed: 2 variant alleles.
Comment: DOT1L: BP4, BS2

Dr. Peter K. Rogan Lab, Western University
No classification provided (evidence only). Condition: Cervical cancer. Review status: no classification provided. Collection method: in vitro. Allele origin: not applicable. Functional consequence: retained intron. Not counted in ClinVar's aggregate classification.